The following is an entry in ClinVar:

ClinVar aggregate classification (germline): Likely benign (0 of 4 stars; one submission).

Conditions:
GRXCR2-related disorder. Also called: GRXCR2-related condition.

Allele frequency attached by ClinVar (database versions not stated): ExAC 0.00006.
gnomAD v4.1: 74 of 1,613,684 alleles (0.0046%); highest among the groups gnomAD compares: Middle Eastern, 0.099%; no homozygotes.

Submission:

PreventionGenetics, part of Exact Sciences
Classification: Likely benign for GRXCR2-related condition. Last evaluated: 2019-05-23. Review status: no assertion criteria provided. Collection method: clinical testing. Allele origin: germline.
Comment: This variant is classified as likely benign based on ACMG/AMP sequence variant interpretation guidelines (Richards et al. 2015 PMID: 25741868, with internal and published modifications).

NM_001080516.2(GRXCR2):c.*3C>T

Gene: GRXCR2 (glutaredoxin and cysteine rich domain containing 2; minus strand). Cytogenetic location: 5q32.
Variant type: single nucleotide variant.
Coding change: c.*3C>T on transcript NM_001080516.2 (MANE Select); 3 bases downstream of the stop codon, C replaced by T.
Molecular consequence: 3 prime UTR variant.
Genome position (GRCh38, 1-based): chr5:145,859,730, G>A on the plus strand (C>T on the coding strand, the complement: GRXCR2 is on the minus strand). VCF-style: chr5-145859730-G-A. GRCh37 (hg19) VCF-style: chr5-145239293-G-A.
Identifiers: ClinVar variation 3037781 (VCV003037781.2), dbSNP rs761960449, ClinGen allele CA3487914.
Genomic context (GRCh38, chr5:145,859,730, plus strand): 5'-GGCGGTTTATTAGAAATAACTTTAGGGAGGGTAAGATAACAGTGGACATGCAAAAGCCAC[G>A]GGCTATTGATTGCAAATCTGGCAAGGCTGTAGGCCATTCTCATTGCAGGCAGGGCACCTC-3'